The following is an entry in ClinVar:

ClinVar aggregate classification (germline): Uncertain significance (1 of 4 stars; one submission).

Conditions:
Tuberous sclerosis 2 (TSC2). Identifiers: Orphanet 805, MedGen C1860707, MONDO:0013199, OMIM 613254.

Submission:

Labcorp Genetics (formerly Invitae), Labcorp
Classification: Uncertain significance for Tuberous sclerosis 2. Last evaluated: 2023-07-07. Review status: criteria provided, single submitter. Criteria: Invitae Variant Classification Sherloc (09022015). Collection method: clinical testing. Allele origin: germline.
Comment: This variant has not been reported in the literature in individuals affected with TSC2-related conditions. This sequence change replaces valine, which is neutral and non-polar, with leucine, which is neutral and non-polar, at codon 1312 of the TSC2 protein (p.Val1312Leu). This variant is not present in population databases (gnomAD no frequency). ClinVar contains an entry for this variant (Variation ID: 1003951). Advanced modeling of protein sequence and biophysical properties (such as structural, functional, and spatial information, amino acid conservation, physicochemical variation, residue mobility, and thermodynamic stability) performed at Invitae indicates that this missense variant is not expected to disrupt TSC2 protein function. In summary, the available evidence is currently insufficient to determine the role of this variant in disease. Therefore, it has been classified as a Variant of Uncertain Significance.

NM_000548.5(TSC2):c.3934G>T (p.Val1312Leu)

Gene: TSC2 (TSC complex subunit 2; plus strand). Cytogenetic location: 16p13.3.
Variant type: single nucleotide variant.
Coding change: c.3934G>T on transcript NM_000548.5 (MANE Select); coding-DNA position 3934, G replaced by T.
Protein change: p.Val1312Leu; replaces valine 1312 with leucine.
Molecular consequence: missense variant.
Genome position (GRCh38, 1-based): chr16:2,083,745, G>T. VCF-style: chr16-2083745-G-T. GRCh37 (hg19) VCF-style: chr16-2133746-G-T.
Other names: c.3733G>T, p.Val1245Leu (NM_001077183.3); c.3865G>T, p.Val1289Leu (NM_001114382.3); c.3625G>T, p.Val1209Leu (NM_001318827.2); c.3589G>T, p.Val1197Leu (NM_001318829.2); c.3202G>T, p.Val1068Leu (NM_001318831.2); c.3766G>T, p.Val1256Leu (NM_001318832.2); c.3736G>T, p.Val1246Leu (NM_001363528.2); c.3802G>T, p.Val1268Leu (NM_001370404.1); and 1 more; short protein forms V1068L, V1197L, V1209L, V1245L, V1246L, V1256L, V1268L, V1269L.
Identifiers: ClinVar variation 1003951 (VCV001003951.8), dbSNP rs201584397, ClinGen allele CA394297274.
Genomic context (GRCh38, chr16:2,083,745, plus strand): 5'-GTCCTCCCAGACTCCGCCGTGGTCATGGAGGAGGGAAGTCCGGGCGAGGTTCCTGTGCTG[G>T]TGGAGCCCCCAGGGTTGGAGGACGTTGAGGCAGCGCTAGGCATGGACAGGCGCACGGATG-3'
Protein context (NP_000539.2, residues 1302-1322): EGSPGEVPVL[Val1312Leu]EPPGLEDVEA